The following is an entry in ClinVar:

ClinVar aggregate classification (germline): Pathogenic (1 of 4 stars; one submission).

Conditions:
RYR1-related disorder. Also called: RYR1-related condition; RYR1-related disorders. Identifiers: MedGen CN239331.

Submission:

Labcorp Genetics (formerly Invitae), Labcorp
Classification: Pathogenic for RYR1-related disorder. Last evaluated: 2023-02-16. Review status: criteria provided, single submitter. Criteria: Invitae Variant Classification Sherloc (09022015). Collection method: clinical testing. Allele origin: germline.
Comment: This sequence change creates a premature translational stop signal (p.Gln3832*) in the RYR1 gene. It is expected to result in an absent or disrupted protein product. Loss-of-function variants in RYR1 are known to be pathogenic (PMID: 23919265, 25960145, 28818389, 30611313). This variant is not present in population databases (gnomAD no frequency). This variant has not been reported in the literature in individuals affected with RYR1-related conditions. For these reasons, this variant has been classified as Pathogenic.

Literature cited by the submitters: PubMed 23919265; PubMed 25960145; PubMed 28818389; PubMed 30611313.

NM_000540.3(RYR1):c.11494C>T (p.Gln3832Ter)

Gene: RYR1 (ryanodine receptor 1; plus strand). Cytogenetic location: 19q13.2.
Variant type: single nucleotide variant.
Coding change: c.11494C>T on transcript NM_000540.3 (MANE Select); coding-DNA position 11494, C replaced by T.
Protein change: p.Gln3832Ter; replaces glutamine 3832 with a stop codon.
Molecular consequence: nonsense.
Genome position (GRCh38, 1-based): chr19:38,535,370, C>T. VCF-style: chr19-38535370-C-T. GRCh37 (hg19) VCF-style: chr19-39026010-C-T.
Other names: c.11479C>T, p.Gln3827Ter (NM_001042723.2); short protein forms Q3832*, Q3827*.
Identifiers: ClinVar variation 2731585 (VCV002731585.3), dbSNP rs2514531872, ClinGen allele CA405656113.